The following is an entry in ClinVar:

NM_001113378.2(FANCI):c.1512+5G>C

Gene: FANCI (FA complementation group I; plus strand). Cytogenetic location: 15q26.1.
Variant type: single nucleotide variant.
Coding change: c.1512+5G>C on transcript NM_001113378.2 (MANE Select); 5 bases into the intron after coding-DNA position 1512, G replaced by C.
Molecular consequence: intron variant.
Genome position (GRCh38, 1-based): chr15:89,281,305, G>C. VCF-style: chr15-89281305-G-C. GRCh37 (hg19) VCF-style: chr15-89824536-G-C.
Other names: c.1512+5G>C (NM_018193.3, NM_001376911.1); c.1233+5G>C (NM_001376910.1).
Identifiers: ClinVar variation 999873 (VCV000999873.6), dbSNP rs2053605169, ClinGen allele CA2194576333.

ClinVar aggregate classification (germline): Uncertain significance (1 of 4 stars; one submission).

Conditions:
Fanconi anemia (FA). Also called: Fanconi's anemia. Identifiers: Orphanet 84, MedGen C0015625, MeSH D005199, MONDO:0019391.

Allele frequency attached by ClinVar (database versions not stated): gnomAD exomes below 0.00001.
gnomAD v4.1: 1 of 1,613,598 alleles (0.000062%); highest among the groups gnomAD compares: East Asian, 0.0022%; no homozygotes.

Submission:

Labcorp Genetics (formerly Invitae), Labcorp
Classification: Uncertain significance for Fanconi anemia. Last evaluated: 2024-05-20. Review status: criteria provided, single submitter. Criteria: Invitae Variant Classification Sherloc (09022015). Collection method: clinical testing. Allele origin: germline.
Comment: This sequence change falls in intron 15 of the FANCI gene. It does not directly change the encoded amino acid sequence of the FANCI protein. It affects a nucleotide within the consensus splice site. This variant is not present in population databases (gnomAD no frequency). This variant has not been reported in the literature in individuals affected with FANCI-related conditions. ClinVar contains an entry for this variant (Variation ID: 999873). Variants that disrupt the consensus splice site are a relatively common cause of aberrant splicing (PMID: 17576681, 9536098). Algorithms developed to predict the effect of sequence changes on RNA splicing suggest that this variant may disrupt the consensus splice site. In summary, the available evidence is currently insufficient to determine the role of this variant in disease. Therefore, it has been classified as a Variant of Uncertain Significance.

Literature cited by the submitters: PubMed 17576681; PubMed 9536098.